The following is an entry in ClinVar:

ClinVar aggregate classification (germline): Uncertain significance (1 of 4 stars; one submission).

Conditions:
Neuropathy, hereditary sensory and autonomic, type 2A (HSAN2A). Also called: MORVAN DISEASE; NEUROPATHY, CONGENITAL SENSORY; NEUROPATHY, HEREDITARY SENSORY RADICULAR, AUTOSOMAL RECESSIVE; NEUROPATHY, HEREDITARY SENSORY, TYPE IIA; NEUROPATHY, PROGRESSIVE SENSORY, OF CHILDREN; WNK1-Related HSAN2 (HSAN2A). Identifiers: Orphanet 970, MedGen C2752089, MONDO:0024309, OMIM 201300.
Pseudohypoaldosteronism type 2C (PHA2C). Also called: Pseudohypoaldosteronism Type IIC. Identifiers: Orphanet 757, Orphanet 88940, MedGen C1840391, MONDO:0013778, OMIM 614492.

Allele frequency attached by ClinVar (database versions not stated): gnomAD exomes below 0.00001; ExAC 0.00001; gnomAD 0.00001; TOPMed 0.00001.
gnomAD v4.1: 2 of 1,612,660 alleles (0.00012%); highest among the groups gnomAD compares: Non-Finnish European, 0.00017%; no homozygotes.

Submission:

Labcorp Genetics (formerly Invitae), Labcorp
Classification: Uncertain significance for Neuropathy, hereditary sensory and autonomic, type 2A; Pseudohypoaldosteronism type 2C. Last evaluated: 2026-01-26. Review status: criteria provided, single submitter. Criteria: Invitae Variant Classification Sherloc (09022015). Collection method: clinical testing. Allele origin: germline.
Comment: This sequence change replaces proline, which is neutral and non-polar, with leucine, which is neutral and non-polar, at codon 23 of the WNK1 protein (p.Pro23Leu). This variant is present in population databases (rs779314969, gnomAD 0.0009%). This variant has not been reported in the literature in individuals affected with WNK1-related conditions. ClinVar contains an entry for this variant (Variation ID: 1038862). Invitae Evidence Modeling of protein sequence and biophysical properties (such as structural, functional, and spatial information, amino acid conservation, physicochemical variation, residue mobility, and thermodynamic stability) indicates that this missense variant is not expected to disrupt WNK1 protein function with a negative predictive value of 95%. In summary, the available evidence is currently insufficient to determine the role of this variant in disease. Therefore, it has been classified as a Variant of Uncertain Significance.

NM_018979.4(WNK1):c.68C>T (p.Pro23Leu)

Gene: WNK1 (WNK lysine deficient protein kinase 1; plus strand). Cytogenetic location: 12p13.33.
Variant type: single nucleotide variant.
Coding change: c.68C>T on transcript NM_018979.4 (MANE Select); coding-DNA position 68, C replaced by T.
Protein change: p.Pro23Leu; replaces proline 23 with leucine.
Molecular consequence: missense variant.
Genome position (GRCh38, 1-based): chr12:753,633, C>T. VCF-style: chr12-753633-C-T. GRCh37 (hg19) VCF-style: chr12-862799-C-T.
Other names: c.68C>T, p.Pro23Leu (NM_001184985.2, NM_014823.3, NM_213655.5); short protein forms P23L.
Identifiers: ClinVar variation 1038862 (VCV001038862.8), dbSNP rs779314969, ClinGen allele CA6381713.